The following is an entry in ClinVar:

ClinVar aggregate classification (germline): Uncertain significance. Review status: criteria provided, multiple submitters, no conflicts (2 of 4 stars). 3 submissions from 3 submitters: Uncertain significance (3). Last evaluated 2025-09-03.

Conditions:
Hereditary cancer-predisposing syndrome. Also called: Tumor predisposition; Hereditary Cancer Syndrome; Hereditary neoplastic syndrome; Neoplastic Syndromes, Hereditary. Identifiers: Orphanet 140162, MedGen C0027672, MeSH D009386, MONDO:0015356.
POLD1-related polyposis and colorectal cancer syndrome (CRCS10). Also called: Colorectal cancer 10; COLORECTAL CANCER, SUSCEPTIBILITY TO, ON CHROMOSOME 19q; Colorectal cancer, susceptibility to, 10. Identifiers: Orphanet 220460, MedGen C2675481, MONDO:0012953, OMIM 612591.

Allele frequency attached by ClinVar (database versions not stated): gnomAD exomes below 0.00001.
gnomAD v4.1: 1 of 1,557,286 alleles (0.000064%); highest among the groups gnomAD compares: Non-Finnish European, 0.000087%; no homozygotes.

Submissions (3):

Labcorp Genetics (formerly Invitae), Labcorp
Classification: Uncertain significance for POLD1-related polyposis and colorectal cancer syndrome. Last evaluated: 2025-09-03. Review status: criteria provided, single submitter. Criteria: Invitae Variant Classification Sherloc (09022015). Collection method: clinical testing. Allele origin: germline.
Comment: This sequence change replaces glutamine, which is neutral and polar, with proline, which is neutral and non-polar, at codon 59 of the POLD1 protein (p.Gln59Pro). This variant is not present in population databases (gnomAD no frequency). This variant has not been reported in the literature in individuals affected with POLD1-related conditions. ClinVar contains an entry for this variant (Variation ID: 848457). An algorithm developed to predict the effect of missense changes on protein structure and function (PolyPhen-2) suggests that this variant is likely to be disruptive. In summary, the available evidence is currently insufficient to determine the role of this variant in disease. Therefore, it has been classified as a Variant of Uncertain Significance.

GeneDx
Classification: Uncertain significance. Last evaluated: 2024-04-26. Review status: criteria provided, single submitter. Criteria: GeneDx Variant Classification Process June 2021. Collection method: clinical testing. Allele origin: germline. Affected: yes.
Comment: Not observed at significant frequency in large population cohorts (gnomAD); In silico analysis indicates that this missense variant does not alter protein structure/function; Has not been previously published as pathogenic or benign to our knowledge

Ambry Genetics
Classification: Uncertain significance for Hereditary cancer-predisposing syndrome. Last evaluated: 2021-10-07. Review status: criteria provided, single submitter. Criteria: Ambry Variant Classification Scheme 2023. Collection method: clinical testing. Allele origin: germline.
Comment: The p.Q59P variant (also known as c.176A>C), located in coding exon 1 of the POLD1 gene, results from an A to C substitution at nucleotide position 176. The glutamine at codon 59 is replaced by proline, an amino acid with similar properties. This amino acid position is conserved. In addition, this alteration is predicted to be tolerated by in silico analysis. Since supporting evidence is limited at this time, the clinical significance of this alteration remains unclear.

NM_002691.4(POLD1):c.176A>C (p.Gln59Pro)

Gene: POLD1 (DNA polymerase delta 1, catalytic subunit; plus strand). Cytogenetic location: 19q13.33.
Variant type: single nucleotide variant.
Coding change: c.176A>C on transcript NM_002691.4 (MANE Select); coding-DNA position 176, A replaced by C.
Protein change: p.Gln59Pro; replaces glutamine 59 with proline.
Molecular consequence: missense variant. On other transcripts: non-coding transcript variant (1).
Genome position (GRCh38, 1-based): chr19:50,399,027, A>C. VCF-style: chr19-50399027-A-C. GRCh37 (hg19) VCF-style: chr19-50902284-A-C.
Other names: c.176A>C, p.Gln59Pro (NM_001256849.1, NM_001308632.1); short protein forms Q59P.
Identifiers: ClinVar variation 848457 (VCV000848457.15), dbSNP rs924990439, ClinGen allele CA309597883.